The following is an entry in ClinVar:

NM_004006.3(DMD):c.2518C>G (p.Gln840Glu)

Gene: DMD (dystrophin; minus strand). Cytogenetic location: Xp21.1.
Variant type: single nucleotide variant.
Coding change: c.2518C>G on transcript NM_004006.3 (MANE Select); coding-DNA position 2518, C replaced by G.
Protein change: p.Gln840Glu; replaces glutamine 840 with glutamic acid.
Molecular consequence: missense variant.
Genome position (GRCh38, 1-based): chrX:32,491,381, G>C on the plus strand (C>G on the coding strand, the complement: DMD is on the minus strand). VCF-style: chrX-32491381-G-C. GRCh37 (hg19) VCF-style: chrX-32509498-G-C.
Other names: c.2494C>G, p.Gln832Glu (NM_000109.4); c.2506C>G, p.Gln836Glu (NM_004009.3); c.2149C>G, p.Gln717Glu (NM_004010.3); short protein forms Q840E, Q717E, Q832E, Q836E.
Identifiers: ClinVar variation 575394 (VCV000575394.10), dbSNP rs398123892, ClinGen allele CA328019903.

ClinVar aggregate classification (germline): Uncertain significance. Review status: criteria provided, multiple submitters, no conflicts (2 of 4 stars). 4 submissions from 4 submitters: Uncertain significance (3). 1 of the submissions does not count toward it. Last evaluated 2025-08-11.

Conditions:
Cardiomyopathy (CMYO). Also called: Cardiomyopathies. Identifiers: Orphanet 167848, MedGen C0878544, MONDO:0004994, HP:0001638. Inheritance: Various modes of inheritance.
Duchenne muscular dystrophy (DMD). Also called: MUSCULAR DYSTROPHY, PSEUDOHYPERTROPHIC PROGRESSIVE, DUCHENNE TYPE; Duchenne Muscular Dystrophy (DMD). Identifiers: Orphanet 98896, MedGen C0013264, MONDO:0010679, OMIM 310200.
Becker muscular dystrophy (BMD). Also called: MUSCULAR DYSTROPHY, PSEUDOHYPERTROPHIC PROGRESSIVE, BECKER TYPE; Becker Muscular Dystrophy (BMD). Identifiers: Orphanet 98895, MedGen C0917713, MONDO:0010311, OMIM 300376.
Dystrophin deficiency.
Cardiovascular phenotype. Identifiers: MedGen CN230736.
Dilated cardiomyopathy 3B (CMD3B). Also called: CMD3B: DMD-Related Dilated Cardiomyopathy; CARDIOMYOPATHY, DILATED, X-LINKED; DMD-Associated Dilated Cardiomyopathy. Identifiers: Orphanet 154, MedGen C3668940, MONDO:0010542, OMIM 302045.

Allele frequency attached by ClinVar (database versions not stated): gnomAD exomes 0.00001 and below 0.00001; gnomAD 0.00003; TOPMed 0.00004.

Submissions (4):

Labcorp Genetics (formerly Invitae), Labcorp
Classification: Uncertain significance for Duchenne muscular dystrophy. Last evaluated: 2025-08-11. Review status: criteria provided, single submitter. Criteria: Invitae Variant Classification Sherloc (09022015). Collection method: clinical testing. Allele origin: germline.
Comment: This sequence change replaces glutamine, which is neutral and polar, with glutamic acid, which is acidic and polar, at codon 840 of the DMD protein (p.Gln840Glu). This variant is present in population databases (no rsID available, gnomAD 0.02%). This variant has not been reported in the literature in individuals affected with DMD-related conditions. ClinVar contains an entry for this variant (Variation ID: 575394). Invitae Evidence Modeling of protein sequence and biophysical properties (such as structural, functional, and spatial information, amino acid conservation, physicochemical variation, residue mobility, and thermodynamic stability) indicates that this missense variant is not expected to disrupt DMD protein function with a negative predictive value of 95%. In summary, the available evidence is currently insufficient to determine the role of this variant in disease. Therefore, it has been classified as a Variant of Uncertain Significance.

Fulgent Genetics
Classification: Uncertain significance for Becker muscular dystrophy; Dilated cardiomyopathy 3B; Duchenne muscular dystrophy. Last evaluated: 2021-08-20. Review status: criteria provided, single submitter. Criteria: ACMG Guidelines, 2015. Collection method: clinical testing. Allele origin: unknown.

Ambry Genetics
Classification: Uncertain significance for Cardiovascular phenotype. Last evaluated: 2021-03-19. Review status: criteria provided, single submitter. Criteria: Ambry Variant Classification Scheme 2023. Collection method: clinical testing. Allele origin: germline.
Comment: The p.Q840E variant (also known as c.2518C>G), located in coding exon 20 of the DMD gene, results from a C to G substitution at nucleotide position 2518. The glutamine at codon 840 is replaced by glutamic acid, an amino acid with highly similar properties. Based on data from gnomAD, the G allele has an overall frequency of 0.001% (2/205415) total alleles studied, with no hemizygotes observed. The highest observed frequency was 0.005% (1/19042) of African alleles. This amino acid position is highly conserved in available vertebrate species. In addition, this alteration is predicted to be tolerated by in silico analysis. Since supporting evidence is limited at this time, the clinical significance of this alteration remains unclear.

Natera, Inc.
Classification: Uncertain significance for Becker muscular dystrophy; Cardiomyopathy; Duchenne muscular dystrophy; Dystrophin deficiency. Last evaluated: 2020-04-30. Review status: no assertion criteria provided. Collection method: clinical testing. Allele origin: germline. Not counted in ClinVar's aggregate classification.